The following is an entry in ClinVar:

ClinVar aggregate classification (germline): Uncertain significance (1 of 4 stars; one submission).

Submission:

GeneDx
Classification: Uncertain significance. Last evaluated: 2023-05-07. Review status: criteria provided, single submitter. Criteria: GeneDx Variant Classification Process June 2021. Collection method: clinical testing. Allele origin: germline. Affected: yes.
Comment: Not observed at significant frequency in large population cohorts (gnomAD); In silico analysis supports that this missense variant does not alter protein structure/function; Has not been previously published as pathogenic or benign to our knowledge

NM_001172509.2(SATB2):c.2045C>A (p.Ser682Tyr)

Genes: SATB2 (SATB homeobox 2; minus strand), LOC126806462 (MED14-independent group 3 enhancer GRCh37_chr2:200136608-200137807; plus strand). Cytogenetic location: 2q33.1.
Variant type: single nucleotide variant.
Coding change: c.2045C>A on transcript NM_001172509.2 (MANE Select); coding-DNA position 2045, C replaced by A.
Protein change: p.Ser682Tyr; replaces serine 682 with tyrosine.
Molecular consequence: missense variant.
Genome position (GRCh38, 1-based): chr2:199,272,368, G>T on the plus strand (C>A on the coding strand, the complement: SATB2 is on the minus strand). VCF-style: chr2-199272368-G-T. GRCh37 (hg19) VCF-style: chr2-200137091-G-T.
Other names: c.2045C>A, p.Ser682Tyr (NM_001172517.1, NM_015265.4); short protein forms S682Y.
Identifiers: ClinVar variation 2663379 (VCV002663379.1), dbSNP rs2468783108, ClinGen allele CA350385402.